The following is an entry in ClinVar:

ClinVar aggregate classification (germline): Conflicting classifications of pathogenicity. Review status: criteria provided, conflicting classifications (1 of 4 stars). 3 submissions from 3 submitters: Uncertain significance (2); Likely benign (1). Last evaluated 2025-12-09.

Conditions:
Inborn genetic diseases. Identifiers: MedGen C0950123, MeSH D030342.

Allele frequency attached by ClinVar (database versions not stated): gnomAD 0.00001; gnomAD exomes 0.00001 and 0.00010; TOPMed 0.00003; ExAC 0.00009.
gnomAD v4.1: 21 of 1,607,092 alleles (0.0013%); highest among the groups gnomAD compares: East Asian, 0.047%; no homozygotes.

Submissions (3):

Labcorp Genetics (formerly Invitae), Labcorp
Classification: Likely benign. Last evaluated: 2025-12-09. Review status: criteria provided, single submitter. Criteria: Invitae Variant Classification Sherloc (09022015). Collection method: clinical testing. Allele origin: germline.

Ambry Genetics
Classification: Uncertain significance for Inborn genetic diseases. Last evaluated: 2024-02-28. Review status: criteria provided, single submitter. Criteria: Ambry Variant Classification Scheme 2023. Collection method: clinical testing. Allele origin: germline.

GeneDx
Classification: Uncertain significance. Last evaluated: 2021-05-25. Review status: criteria provided, single submitter. Criteria: GeneDx Variant Classification Process June 2021. Collection method: clinical testing. Allele origin: germline. Affected: yes.
Comment: In silico analysis supports that this missense variant has a deleterious effect on protein structure/function; Occurs in the triple helical domain at the Y position in the canonical Gly-X-Y repeat; although this variant may have an effect on normal protein folding and function, missense substitution at the Y position is not a common mechanism of disease; Has not been previously published as pathogenic or benign to our knowledge

NM_001854.4(COL11A1):c.2187T>A (p.Asp729Glu)

Gene: COL11A1 (collagen type XI alpha 1 chain; minus strand). Cytogenetic location: 1p21.1.
Variant type: single nucleotide variant.
Coding change: c.2187T>A on transcript NM_001854.4 (MANE Select); coding-DNA position 2187, T replaced by A.
Protein change: p.Asp729Glu; replaces aspartic acid 729 with glutamic acid.
Molecular consequence: missense variant. On other transcripts: non-coding transcript variant (1).
Genome position (GRCh38, 1-based): chr1:102,998,319, A>T on the plus strand (T>A on the coding strand, the complement: COL11A1 is on the minus strand). VCF-style: chr1-102998319-A-T. GRCh37 (hg19) VCF-style: chr1-103463875-A-T.
Other names: c.2070T>A, p.Asp690Glu (NM_001190709.2); c.2223T>A, p.Asp741Glu (NM_080629.3); c.1839T>A, p.Asp613Glu (NM_080630.4); short protein forms D613E, D690E, D729E, D741E.
Identifiers: ClinVar variation 1155611 (VCV001155611.12), dbSNP rs754657948, ClinGen allele CA974567.
Genomic context (GRCh38, chr1:102,998,319, plus strand): 5'-TTTTTAAAGATAATGTAAAGAAATTTTAATGACCAGGTAGCTGTTACTTACAGGAGGCCC[A>T]TCAGCACCAGGAAGTCCAGCAAGTCCTGGTTTTCCTTGTGGTCCCTTATAGAGAAAAAAA-3'
Protein context (NP_001845.3, residues 719-739): KPGLAGLPGA[Asp729Glu]GPPGHPGKEG